The following is an entry in ClinVar:

NM_000059.4(BRCA2):c.9481A>C (p.Lys3161Gln)

Gene: BRCA2 (BRCA2 DNA repair associated; plus strand). Cytogenetic location: 13q13.1.
Variant type: single nucleotide variant.
Coding change: c.9481A>C on transcript NM_000059.4 (MANE Select); coding-DNA position 9481, A replaced by C.
Protein change: p.Lys3161Gln; replaces lysine 3161 with glutamine.
Molecular consequence: missense variant.
Genome position (GRCh38, 1-based): chr13:32,394,913, A>C. VCF-style: chr13-32394913-A-C. GRCh37 (hg19) VCF-style: chr13-32969050-A-C.
Other names: c.9385A>C, p.Lys3129Gln (NM_001406719.1); c.9430A>C, p.Lys3144Gln (NM_001406720.1); c.4549A>C, p.Lys1517Gln (NM_001406721.1); c.3064A>C, p.Lys1022Gln (NM_001406722.1); short protein forms K1517Q, K3144Q, K1022Q, K3129Q, K3161Q.
Identifiers: ClinVar variation 2100934 (VCV002100934.4), dbSNP rs80359222, ClinGen allele CA387761798.

ClinVar aggregate classification (germline): Uncertain significance (1 of 4 stars; one submission).

Conditions:
Hereditary breast ovarian cancer syndrome. Also called: Hereditary breast and ovarian cancer; Hereditary breast and ovarian cancer syndrome; Breast and ovarian cancer; BRCA1- and BRCA2-Associated Hereditary Breast and Ovarian Cancer; Hereditary breast and/or ovarian cancer syndrome; Hereditary breast and ovarian cancer syndrome (HBOC). Identifiers: Orphanet 145, MedGen C0677776, MeSH D061325, MONDO:0003582. Disease mechanism: loss of function.

Submission:

Labcorp Genetics (formerly Invitae), Labcorp
Classification: Uncertain significance for Hereditary breast ovarian cancer syndrome. Last evaluated: 2022-09-07. Review status: criteria provided, single submitter. Criteria: Invitae Variant Classification Sherloc (09022015). Collection method: clinical testing. Allele origin: germline.
Comment: In summary, the available evidence is currently insufficient to determine the role of this variant in disease. Therefore, it has been classified as a Variant of Uncertain Significance. Advanced modeling of protein sequence and biophysical properties (such as structural, functional, and spatial information, amino acid conservation, physicochemical variation, residue mobility, and thermodynamic stability) performed at Invitae indicates that this missense variant is not expected to disrupt BRCA2 protein function. This variant has not been reported in the literature in individuals affected with BRCA2-related conditions. This variant is not present in population databases (gnomAD no frequency). This sequence change replaces lysine, which is basic and polar, with glutamine, which is neutral and polar, at codon 3161 of the BRCA2 protein (p.Lys3161Gln).